The following is an entry in ClinVar:

NM_000350.3(ABCA4):c.2306A>G (p.Tyr769Cys)

Gene: ABCA4 (ATP binding cassette subfamily A member 4; minus strand). Cytogenetic location: 1p22.1.
Variant type: single nucleotide variant.
Coding change: c.2306A>G on transcript NM_000350.3 (MANE Select); coding-DNA position 2306, A replaced by G.
Protein change: p.Tyr769Cys; replaces tyrosine 769 with cysteine.
Molecular consequence: missense variant.
Genome position (GRCh38, 1-based): chr1:94,056,677, T>C on the plus strand (A>G on the coding strand, the complement: ABCA4 is on the minus strand). VCF-style: chr1-94056677-T-C. GRCh37 (hg19) VCF-style: chr1-94522233-T-C.
Other names: short protein forms Y769C.
Identifiers: ClinVar variation 1524300 (VCV001524300.3), dbSNP rs751408792, ClinGen allele CA341277809.
Genomic context (GRCh38, chr1:94,056,677, plus strand): 5'-TCAGCGGTCATGCGGTCCTGCCAGGCGAAGCACAGGATGTGTGGCAGGTAGAGGGTGAAA[T>C]AGATGACACCACTACAGGCTGCTGCCAGACTGGCCTTGGAGAAGAAGGTGCTGAGCAGAA-3'
Protein context (NP_000341.2, residues 759-779): SLAAACSGVI[Tyr769Cys]FTLYLPHILC

ClinVar aggregate classification (germline): Uncertain significance (1 of 4 stars; one submission).

Submission:

Labcorp Genetics (formerly Invitae), Labcorp
Classification: Uncertain significance. Last evaluated: 2021-10-11. Review status: criteria provided, single submitter. Criteria: Invitae Variant Classification Sherloc (09022015). Collection method: clinical testing. Allele origin: germline.
Comment: This sequence change replaces tyrosine with cysteine at codon 769 of the ABCA4 protein (p.Tyr769Cys). The tyrosine residue is highly conserved and there is a large physicochemical difference between tyrosine and cysteine. This variant is not present in population databases (ExAC no frequency). This variant has not been reported in the literature in individuals affected with ABCA4-related conditions. Advanced modeling of protein sequence and biophysical properties (such as structural, functional, and spatial information, amino acid conservation, physicochemical variation, residue mobility, and thermodynamic stability) performed at Invitae indicates that this missense variant is expected to disrupt ABCA4 protein function. In summary, the available evidence is currently insufficient to determine the role of this variant in disease. Therefore, it has been classified as a Variant of Uncertain Significance.